The following is an entry in ClinVar:

NM_020964.3(EPG5):c.5110G>A (p.Val1704Ile)

Gene: EPG5 (ectopic P-granules 5 autophagy tethering factor; minus strand). Cytogenetic location: 18q12.3.
Variant type: single nucleotide variant.
Coding change: c.5110G>A on transcript NM_020964.3 (MANE Select); coding-DNA position 5110, G replaced by A.
Protein change: p.Val1704Ile; replaces valine 1704 with isoleucine.
Molecular consequence: missense variant.
Genome position (GRCh38, 1-based): chr18:45,884,811, C>T on the plus strand (G>A on the coding strand, the complement: EPG5 is on the minus strand). VCF-style: chr18-45884811-C-T. GRCh37 (hg19) VCF-style: chr18-43464776-C-T.
Other names: c.5110G>A (NM_020964.2); short protein forms V1704I.
Identifiers: ClinVar variation 1396362 (VCV001396362.5), dbSNP rs982203129, ClinGen allele CA299716315.
Genomic context (GRCh38, chr18:45,884,811, plus strand): 5'-TGTTCTTCAGAATGGTTTCAAGTACTTTTCTGCACTCTGATTTAATGCCACTGATAAATA[C>T]CTTGGAAAAATAAAAAGGAAAAATGTCACCAGATTCTTCCCTCACAACCTTTATTTAAGC-3'
Protein context (NP_066015.2, residues 1694-1714): FTSCIEILGQ[Val1704Ile]FISGIKSECR

ClinVar aggregate classification (germline): Uncertain significance. Review status: criteria provided, multiple submitters, no conflicts (2 of 4 stars). 2 submissions from 2 submitters: Uncertain significance (2). Last evaluated 2023-12-01.

Conditions:
Inborn genetic diseases. Identifiers: MedGen C0950123, MeSH D030342.
Vici syndrome (VICIS). Identifiers: Orphanet 1493, MedGen C1855772, MONDO:0009452, OMIM 242840.

Allele frequency attached by ClinVar (database versions not stated): gnomAD 0.00003; TOPMed 0.00008.
gnomAD v4.1: 12 of 1,518,796 alleles (0.00079%); highest among the groups gnomAD compares: Admixed American, 0.023%; no homozygotes.

Submissions (2):

Ambry Genetics
Classification: Uncertain significance for Inborn genetic diseases. Last evaluated: 2023-12-01. Review status: criteria provided, single submitter. Criteria: Ambry Variant Classification Scheme 2023. Collection method: clinical testing. Allele origin: germline.

Labcorp Genetics (formerly Invitae), Labcorp
Classification: Uncertain significance for Vici syndrome. Last evaluated: 2021-12-15. Review status: criteria provided, single submitter. Criteria: Invitae Variant Classification Sherloc (09022015). Collection method: clinical testing. Allele origin: germline.
Comment: This sequence change replaces valine, which is neutral and non-polar, with isoleucine, which is neutral and non-polar, at codon 1704 of the EPG5 protein (p.Val1704Ile). This variant is not present in population databases (gnomAD no frequency). This variant has not been reported in the literature in individuals affected with EPG5-related conditions. Algorithms developed to predict the effect of missense changes on protein structure and function are either unavailable or do not agree on the potential impact of this missense change (SIFT: "Tolerated"; PolyPhen-2: "Possibly Damaging"; Align-GVGD: "Class C0"). Algorithms developed to predict the effect of sequence changes on RNA splicing suggest that this variant may disrupt the consensus splice site. In summary, the available evidence is currently insufficient to determine the role of this variant in disease. Therefore, it has been classified as a Variant of Uncertain Significance.